The following is an entry in ClinVar:

NM_000059.4(BRCA2):c.1639T>C (p.Ser547Pro)

Gene: BRCA2 (BRCA2 DNA repair associated; plus strand). Cytogenetic location: 13q13.1.
Variant type: single nucleotide variant.
Coding change: c.1639T>C on transcript NM_000059.4 (MANE Select); coding-DNA position 1639, T replaced by C.
Protein change: p.Ser547Pro; replaces serine 547 with proline.
Molecular consequence: missense variant.
Genome position (GRCh38, 1-based): chr13:32,333,117, T>C. VCF-style: chr13-32333117-T-C. GRCh37 (hg19) VCF-style: chr13-32907254-T-C.
Other names: c.1639T>C, p.Ser547Pro (NM_001406719.1, NM_001406720.1, NM_001406721.1); short protein forms S547P.
Identifiers: ClinVar variation 1776995 (VCV001776995.4), dbSNP rs1593893412, ClinGen allele CA387764959.

ClinVar aggregate classification (germline): Conflicting classifications of pathogenicity. Review status: criteria provided, conflicting classifications (1 of 4 stars). 2 submissions from 2 submitters: Uncertain significance (1); Likely benign (1). Last evaluated 2023-03-23.

Conditions:
Hereditary cancer-predisposing syndrome. Also called: Neoplastic Syndromes, Hereditary; Tumor predisposition; Hereditary Cancer Syndrome; Hereditary neoplastic syndrome. Identifiers: Orphanet 140162, MedGen C0027672, MeSH D009386, MONDO:0015356.

Submissions (2):

University of Washington Department of Laboratory Medicine, University of Washington
Classification: Likely benign for Hereditary cancer-predisposing syndrome. Last evaluated: 2023-03-23. Review status: criteria provided, single submitter. Criteria: Dines et al. (Genet Med. 2020). Collection method: curation. Allele origin: germline.
Comment: Missense variant in a coldspot region where missense variants are very unlikely to be pathogenic (PMID:31911673).

BRCA2 exon 10 coldspot. Reclassification based on statistical prior probability.

Ambry Genetics
Classification: Uncertain significance for Hereditary cancer-predisposing syndrome. Last evaluated: 2022-09-25. Review status: criteria provided, single submitter. Criteria: Ambry Variant Classification Scheme 2023. Collection method: clinical testing. Allele origin: germline.
Comment: The p.S547P variant (also known as c.1639T>C), located in coding exon 9 of the BRCA2 gene, results from a T to C substitution at nucleotide position 1639. The serine at codon 547 is replaced by proline, an amino acid with similar properties. This amino acid position is well conserved in available vertebrate species. In addition, this alteration is predicted to be tolerated by in silico analysis. Since supporting evidence is limited at this time, the clinical significance of this alteration remains unclear.